The following is an entry in ClinVar:

ClinVar aggregate classification (germline): Likely pathogenic (1 of 4 stars; one submission).

Allele frequency attached by ClinVar (database versions not stated): gnomAD exomes below 0.00001.
gnomAD v4.1: 3 of 1,611,958 alleles (0.00019%); highest among the groups gnomAD compares: Non-Finnish European, 0.00025%; no homozygotes.

Submission:

Labcorp Genetics (formerly Invitae), Labcorp
Classification: Likely pathogenic. Last evaluated: 2023-03-23. Review status: criteria provided, single submitter. Criteria: Invitae Variant Classification Sherloc (09022015). Collection method: clinical testing. Allele origin: germline.
Comment: This sequence change replaces leucine, which is neutral and non-polar, with phenylalanine, which is neutral and non-polar, at codon 842 of the WFS1 protein (p.Leu842Phe). In summary, the currently available evidence indicates that the variant is pathogenic, but additional data are needed to prove that conclusively. Therefore, this variant has been classified as Likely Pathogenic. Advanced modeling of protein sequence and biophysical properties (such as structural, functional, and spatial information, amino acid conservation, physicochemical variation, residue mobility, and thermodynamic stability) performed at Invitae indicates that this missense variant is expected to disrupt WFS1 protein function. ClinVar contains an entry for this variant (Variation ID: 1518006). This missense change has been observed in individual(s) with autosomal recessive Wolfram syndrome (PMID: 18806274; Invitae). In at least one individual the data is consistent with being in trans (on the opposite chromosome) from a pathogenic variant. This variant is not present in population databases (gnomAD no frequency).

Literature cited by the submitters: PubMed 18806274.

NM_006005.3(WFS1):c.2524C>T (p.Leu842Phe)

Gene: WFS1 (wolframin ER transmembrane glycoprotein; plus strand). Cytogenetic location: 4p16.1.
Variant type: single nucleotide variant.
Coding change: c.2524C>T on transcript NM_006005.3 (MANE Select); coding-DNA position 2524, C replaced by T.
Protein change: p.Leu842Phe; replaces leucine 842 with phenylalanine.
Molecular consequence: missense variant.
Genome position (GRCh38, 1-based): chr4:6,302,319, C>T. VCF-style: chr4-6302319-C-T. GRCh37 (hg19) VCF-style: chr4-6304046-C-T.
Other names: c.2524C>T, p.Leu842Phe (NM_001145853.1); short protein forms L842F.
Identifiers: ClinVar variation 1518006 (VCV001518006.6), dbSNP rs71530915, ClinGen allele CA91797271.